The following is an entry in ClinVar:

ClinVar aggregate classification (germline): Benign/Likely benign. Review status: criteria provided, multiple submitters, no conflicts (2 of 4 stars). 2 submissions from 2 submitters: Benign (1); Likely benign (1). Last evaluated 2025-12-10.

Conditions:
Bethlem myopathy 1A. Also called: MYOPATHY, BENIGN CONGENITAL, WITH CONTRACTURES; Bethlem myopathy 1; Bethlem Muscular Dystrophy. Identifiers: Orphanet 610, MedGen CN029274, MONDO:0024530, OMIM 158810.

gnomAD v4.1: 9 of 1,612,966 alleles (0.00056%); highest among the groups gnomAD compares: African/African-American, 0.0093%; no homozygotes.

Submissions (2):

Labcorp Genetics (formerly Invitae), Labcorp
Classification: Benign for Bethlem myopathy 1A. Last evaluated: 2025-12-10. Review status: criteria provided, single submitter. Criteria: Invitae Variant Classification Sherloc (09022015). Collection method: clinical testing. Allele origin: germline.

Mayo Clinic Laboratories, Mayo Clinic
Classification: Likely benign. Last evaluated: 2025-03-26. Review status: criteria provided, single submitter. Criteria: ACMG Guidelines, 2015. Collection method: clinical testing. Allele origin: germline. Observed: 1 variant allele.
Comment: BP4, BP7

NM_001849.4(COL6A2):c.1884C>T (p.Tyr628=)

Gene: COL6A2 (collagen type VI alpha 2 chain; plus strand). Cytogenetic location: 21q22.3.
Variant type: single nucleotide variant.
Coding change: c.1884C>T on transcript NM_001849.4 (MANE Select); coding-DNA position 1884, C replaced by T.
Protein change: p.Tyr628=; no amino-acid change (tyrosine 628 retained).
Molecular consequence: synonymous variant.
Genome position (GRCh38, 1-based): chr21:46,125,532, C>T. VCF-style: chr21-46125532-C-T. GRCh37 (hg19) VCF-style: chr21-47545446-C-T.
Other names: p.Tyr628=; c.1884C>T, p.Tyr628= (NM_058174.3, NM_058175.3).
Identifiers: ClinVar variation 3717085 (VCV003717085.3).
Genomic context (GRCh38, chr21:46,125,532, plus strand): 5'-GAAGCGCTGTGGCGCCCTGGACGTGGTCTTCGTCATCGACAGCTCCGAGAGCATTGGGTA[C>T]ACCAACTTCACACTGGAGAAGAACTTCGTCATCAACGTGGTCAACAGGCTGGGTGCCATC-3'
Protein context (NP_001840.3, residues 618-638): FVIDSSESIG[Tyr628=]TNFTLEKNFV